The following is an entry in ClinVar:

ClinVar aggregate classification (germline): Uncertain significance (1 of 4 stars; one submission).

Conditions:
DICER1-related tumor predisposition. Also called: DICER1 syndrome; DICER1-related pleuropulmonary blastoma cancer predisposition syndrome. Identifiers: Orphanet 284343, MedGen C3839822, MONDO:0100216.

Submission:

Labcorp Genetics (formerly Invitae), Labcorp
Classification: Uncertain significance for DICER1-related tumor predisposition. Last evaluated: 2020-09-29. Review status: criteria provided, single submitter. Criteria: Invitae Variant Classification Sherloc (09022015). Collection method: clinical testing. Allele origin: germline.
Comment: Algorithms developed to predict the effect of missense changes on protein structure and function are either unavailable or do not agree on the potential impact of this missense change (SIFT: "Deleterious"; PolyPhen-2: "Probably Damaging"; Align-GVGD: "Class C15"). In summary, the available evidence is currently insufficient to determine the role of this variant in disease. Therefore, it has been classified as a Variant of Uncertain Significance. This variant has not been reported in the literature in individuals with DICER1-related conditions. This variant is not present in population databases (ExAC no frequency). This sequence change replaces phenylalanine with tyrosine at codon 1812 of the DICER1 protein (p.Phe1812Tyr). The phenylalanine residue is highly conserved and there is a small physicochemical difference between phenylalanine and tyrosine.

NM_177438.3(DICER1):c.5435T>A (p.Phe1812Tyr)

Gene: DICER1 (dicer 1, ribonuclease III; minus strand). Cytogenetic location: 14q32.13.
Variant type: single nucleotide variant.
Coding change: c.5435T>A on transcript NM_177438.3 (MANE Select); coding-DNA position 5435, T replaced by A.
Protein change: p.Phe1812Tyr; replaces phenylalanine 1812 with tyrosine.
Molecular consequence: missense variant. On other transcripts: intron variant (1).
Genome position (GRCh38, 1-based): chr14:95,091,295, A>T on the plus strand (T>A on the coding strand, the complement: DICER1 is on the minus strand). VCF-style: chr14-95091295-A-T. GRCh37 (hg19) VCF-style: chr14-95557632-A-T.
Other names: c.5435T>A, p.Phe1812Tyr (NM_001271282.3, NM_001291628.2, NM_030621.4); c.5365-186T>A (NM_001195573.1); short protein forms F1812Y.
Identifiers: ClinVar variation 999021 (VCV000999021.10), dbSNP rs1595314854, ClinGen allele CA390864660.